The following is an entry in ClinVar:

NM_001453.3(FOXC1):c.640C>T (p.Pro214Ser)

Gene: FOXC1 (forkhead box C1; plus strand). Cytogenetic location: 6p25.3.
Variant type: single nucleotide variant.
Coding change: c.640C>T on transcript NM_001453.3 (MANE Select); coding-DNA position 640, C replaced by T.
Protein change: p.Pro214Ser; replaces proline 214 with serine.
Molecular consequence: missense variant.
Genome position (GRCh38, 1-based): chr6:1,611,085, C>T. VCF-style: chr6-1611085-C-T. GRCh37 (hg19) VCF-style: chr6-1611320-C-T.
Other names: short protein forms P214S.
Identifiers: ClinVar variation 4705229 (VCV004705229.1).

ClinVar aggregate classification (germline): Uncertain significance (1 of 4 stars; one submission).

Conditions:
Axenfeld-Rieger syndrome type 3 (RIEG3). Also called: AXENFELD-RIEGER ANOMALY WITH CARDIAC DEFECTS AND/OR SENSORINEURAL HEARING LOSS. Identifiers: Orphanet 782, MedGen C2678503, MONDO:0011233, OMIM 602482.

gnomAD v4.1: 1 of 1,381,802 alleles (0.000072%); highest among the groups gnomAD compares: East Asian, 0.0032%; no homozygotes.

Submission:

Labcorp Genetics (formerly Invitae), Labcorp
Classification: Uncertain significance for Axenfeld-Rieger syndrome type 3. Last evaluated: 2025-02-23. Review status: criteria provided, single submitter. Criteria: Invitae Variant Classification Sherloc (09022015). Collection method: clinical testing. Allele origin: germline.
Comment: This sequence change replaces proline, which is neutral and non-polar, with serine, which is neutral and polar, at codon 214 of the FOXC1 protein (p.Pro214Ser). This variant is not present in population databases (gnomAD no frequency). This variant has not been reported in the literature in individuals affected with FOXC1-related conditions. An algorithm developed to predict the effect of missense changes on protein structure and function (PolyPhen-2) suggests that this variant is likely to be tolerated. In summary, the available evidence is currently insufficient to determine the role of this variant in disease. Therefore, it has been classified as a Variant of Uncertain Significance.